The following is an entry in ClinVar:

ClinVar aggregate classification (germline): Uncertain significance (1 of 4 stars; one submission).

Conditions:
Inborn genetic diseases. Identifiers: MedGen C0950123, MeSH D030342.

Submission:

Ambry Genetics
Classification: Uncertain significance for Inborn genetic diseases. Last evaluated: 2025-03-06. Review status: criteria provided, single submitter. Criteria: Ambry Variant Classification Scheme 2023. Collection method: clinical testing. Allele origin: germline.
Comment: The p.K229N variant (also known as c.687A>C), located in coding exon 5 of the SBDS gene, results from an A to C substitution at nucleotide position 687. The lysine at codon 229 is replaced by asparagine, an amino acid with similar properties. This amino acid position is conserved. In addition, the in silico prediction for this alteration is inconclusive. Based on the available evidence, the clinical significance of this variant remains unclear.

NM_016038.4(SBDS):c.687A>C (p.Lys229Asn)

Gene: SBDS (SBDS ribosome maturation factor; minus strand). Cytogenetic location: 7q11.21.
Variant type: single nucleotide variant.
Coding change: c.687A>C on transcript NM_016038.4 (MANE Select); coding-DNA position 687, A replaced by C.
Protein change: p.Lys229Asn; replaces lysine 229 with asparagine.
Molecular consequence: missense variant.
Genome position (GRCh38, 1-based): chr7:66,988,437, T>G on the plus strand (A>C on the coding strand, the complement: SBDS is on the minus strand). VCF-style: chr7-66988437-T-G. GRCh37 (hg19) VCF-style: chr7-66453424-T-G.
Other names: short protein forms K229N.
Identifiers: ClinVar variation 3792755 (VCV003792755.1).